The following is an entry in ClinVar:

ClinVar aggregate classification (germline): Uncertain significance. Review status: criteria provided, multiple submitters, no conflicts (2 of 4 stars). 2 submissions from 2 submitters: Uncertain significance (2). Last evaluated 2026-01-29.

Conditions:
Early-infantile DEE. Also called: Early infantile epileptic encephalopathy; Early infantile epileptic encephalopathy with suppression bursts; Ohtahara syndrome. Identifiers: Orphanet 1934, MedGen C0393706, MONDO:0800491.

gnomAD v4.1: 3 of 1,613,892 alleles (0.00019%); highest among the groups gnomAD compares: Admixed American, 0.005%; no homozygotes.

Submissions (2):

GeneDx
Classification: Uncertain significance. Last evaluated: 2026-01-29. Review status: criteria provided, single submitter. Criteria: GeneDx Variant Classification Process June 2021. Collection method: clinical testing. Allele origin: germline. Affected: yes.
Comment: In silico analysis supports that this missense variant has a deleterious effect on protein structure/function; Has not been previously published as pathogenic or benign to our knowledge; This substitution is predicted to be within the C-terminal cytoplasmic domain

Labcorp Genetics (formerly Invitae), Labcorp
Classification: Uncertain significance for Early-infantile DEE. Last evaluated: 2025-07-30. Review status: criteria provided, single submitter. Criteria: Invitae Variant Classification Sherloc (09022015). Collection method: clinical testing. Allele origin: germline.
Comment: This sequence change replaces histidine, which is basic and polar, with glutamine, which is neutral and polar, at codon 1929 of the SCN1A protein (p.His1929Gln). This variant is present in population databases (no rsID available, gnomAD 0.006%). This variant has not been reported in the literature in individuals affected with SCN1A-related conditions. ClinVar contains an entry for this variant (Variation ID: 408919). Invitae Evidence Modeling of protein sequence and biophysical properties (such as structural, functional, and spatial information, amino acid conservation, physicochemical variation, residue mobility, and thermodynamic stability) indicates that this missense variant is not expected to disrupt SCN1A protein function with a negative predictive value of 95%. In summary, the available evidence is currently insufficient to determine the role of this variant in disease. Therefore, it has been classified as a Variant of Uncertain Significance.

NM_001165963.4(SCN1A):c.5787C>G (p.His1929Gln)

Genes: SCN1A (sodium voltage-gated channel alpha subunit 1; minus strand), LOC102724058 (uncharacterized LOC102724058; plus strand). Cytogenetic location: 2q24.3.
Variant type: single nucleotide variant.
Coding change: c.5787C>G on transcript NM_001165963.4 (MANE Select); coding-DNA position 5787, C replaced by G.
Protein change: p.His1929Gln; replaces histidine 1929 with glutamine.
Molecular consequence: missense variant. On other transcripts: non-coding transcript variant (1).
Genome position (GRCh38, 1-based): chr2:165,991,488, G>C on the plus strand (C>G on the coding strand, the complement: SCN1A is on the minus strand). VCF-style: chr2-165991488-G-C. GRCh37 (hg19) VCF-style: chr2-166847998-G-C.
Other names: c.5703C>G, p.His1901Gln (NM_001165964.3, NM_001353957.2, NM_001353958.2); c.5787C>G, p.His1929Gln (NM_001202435.3, NM_001353948.2); c.5754C>G, p.His1918Gln (NM_001353949.2, NM_001353950.2, NM_001353951.2 and 2 more transcripts); c.5751C>G, p.His1917Gln (NM_001353954.2, NM_001353955.2); c.5700C>G, p.His1900Gln (NM_001353960.2); c.3345C>G, p.His1115Gln (NM_001353961.2); short protein forms H1929Q, H1918Q, H1900Q, H1901Q, H1115Q, H1917Q.
Identifiers: ClinVar variation 408919 (VCV000408919.13), dbSNP rs371253263, ClinGen allele CA16610265.